The following is an entry in ClinVar:

NM_002609.4(PDGFRB):c.1532G>A (p.Arg511His)

Gene: PDGFRB (platelet derived growth factor receptor beta; minus strand). Cytogenetic location: 5q32.
Variant type: single nucleotide variant.
Coding change: c.1532G>A on transcript NM_002609.4 (MANE Select); coding-DNA position 1532, G replaced by A.
Protein change: p.Arg511His; replaces arginine 511 with histidine.
Molecular consequence: missense variant.
Genome position (GRCh38, 1-based): chr5:150,129,804, C>T on the plus strand (G>A on the coding strand, the complement: PDGFRB is on the minus strand). VCF-style: chr5-150129804-C-T. GRCh37 (hg19) VCF-style: chr5-149509367-C-T.
Other names: c.1340G>A, p.Arg447His (NM_001355016.2); c.1049G>A, p.Arg350His (NM_001355017.2); short protein forms R350H, R447H, R511H.
Identifiers: ClinVar variation 4847506 (VCV004847506.1).
Genomic context (GRCh38, chr5:150,129,804, plus strand): 5'-GCTGGGGACTCACAGTGTGGCACCACGATGACCTCCTGCGTGTCCTGGCCCACAGCGTTG[C>T]GCAGCGTGCAGCGCACCGACAGTGGCCGATCCACGTGCTGCAGACGCAGTGTGCTCACCA-3'
Protein context (NP_002600.1, residues 501-521): DRPLSVRCTL[Arg511His]NAVGQDTQEV

ClinVar aggregate classification (germline): Uncertain significance (1 of 4 stars; one submission).

gnomAD v4.1: 14 of 1,613,992 alleles (0.00087%); highest among the groups gnomAD compares: East Asian, 0.0067%; no homozygotes.

Submission:

Women's Health and Genetics/Laboratory Corporation of America, LabCorp
Classification: Uncertain significance. Last evaluated: 2026-03-03. Review status: criteria provided, single submitter. Criteria: LabCorp Variant Classification Summary - May 2015. Collection method: clinical testing. Allele origin: germline.
Comment: Variant summary: PDGFRB c.1532G>A (p.Arg511His) results in a non-conservative amino acid change in the encoded protein sequence. Algorithms developed to predict the effect of missense changes on protein structure and function are either unavailable or do not agree on the potential impact of this missense change. The variant allele was found at a frequency of 1.2e-05 in 250978 control chromosomes. The available data on variant occurrences in the general population are insufficient to allow any conclusion about variant significance. To our knowledge, no occurrence of c.1532G>A in individuals affected with PDGFRB-related conditions and no experimental evidence demonstrating its impact on protein function have been reported. No submitters have cited clinical-significance assessments for this variant to ClinVar. Based on the evidence outlined above, the variant was classified as uncertain significance.